The following is an entry in ClinVar:

NM_024721.5(ZFHX4):c.1145_1146insTATT (p.Leu382fs)

Gene: ZFHX4 (zinc finger homeobox 4; plus strand). Cytogenetic location: 8q21.13.
Variant type: Insertion.
Coding change: c.1145_1146insTATT on transcript NM_024721.5 (MANE Select); coding-DNA positions 1145 to 1146, TATT inserted.
Protein change: p.Leu382fs; shifts the reading frame from leucine 382.
Molecular consequence: frameshift variant.
Genome position: GRCh38 VCF-style: chr8-76705231-C-CTTTA. GRCh37 (hg19) VCF-style: chr8-77617466-C-CTTTA.
Other names: c.1145_1146insTATT, p.Leu382fs (NM_001410934.1); short protein forms L382fs.
Identifiers: ClinVar variation 3900276 (VCV003900276.2).

ClinVar aggregate classification (germline): Pathogenic (1 of 4 stars; one submission).

Submission:

GeneDx
Classification: Pathogenic. Last evaluated: 2026-07-29. Review status: criteria provided, single submitter. Criteria: GeneDx Variant Classification Process June 2021. Collection method: clinical testing. Allele origin: germline.
Comment: Not observed at significant frequency in large population cohorts (gnomAD); Has not been previously published as pathogenic or benign to our knowledge; Frameshift variant predicted to result in protein truncation or nonsense mediated decay in a gene for which loss of function is a known mechanism of disease